The following is an entry in ClinVar:

NM_017617.5(NOTCH1):c.2704C>T (p.Arg902Cys)

Gene: NOTCH1 (notch receptor 1; minus strand). Cytogenetic location: 9q34.3.
Variant type: single nucleotide variant.
Coding change: c.2704C>T on transcript NM_017617.5 (MANE Select); coding-DNA position 2704, C replaced by T.
Protein change: p.Arg902Cys; replaces arginine 902 with cysteine.
Molecular consequence: missense variant.
Genome position (GRCh38, 1-based): chr9:136,510,689, G>A on the plus strand (C>T on the coding strand, the complement: NOTCH1 is on the minus strand). VCF-style: chr9-136510689-G-A. GRCh37 (hg19) VCF-style: chr9-139405141-G-A.
Other names: c.2704C>T (NM_017617.3); c.2704C>T, p.Arg902Cys (LRG_1122t1); short protein forms R902C.
Identifiers: ClinVar variation 523595 (VCV000523595.6), dbSNP rs1448345366, ClinGen allele CA375554824.

ClinVar aggregate classification (germline): Conflicting classifications of pathogenicity. Review status: criteria provided, conflicting classifications (1 of 4 stars). 3 submissions from 3 submitters: Pathogenic (1); Uncertain significance (1); Likely benign (1). Last evaluated 2025-11-03.

Conditions:
Familial thoracic aortic aneurysm and aortic dissection (TAAD). Also called: Thoracic aortic aneurysms and dissections. Identifiers: Orphanet 91387, MedGen C4707243, MONDO:0019625.
Adams-Oliver syndrome 5 (AOS5). Identifiers: Orphanet 974, MedGen C4014970, MONDO:0014459, OMIM 616028.

Allele frequency attached by ClinVar (database versions not stated): gnomAD exomes below 0.00001 and 0.00001; gnomAD 0.00001; TOPMed 0.00001.
gnomAD v4.1: 15 of 1,609,578 alleles (0.00093%); highest among the groups gnomAD compares: African/African-American, 0.0013%; no homozygotes.

Submissions (3):

Labcorp Genetics (formerly Invitae), Labcorp
Classification: Likely benign for Adams-Oliver syndrome 5. Last evaluated: 2025-11-03. Review status: criteria provided, single submitter. Criteria: Invitae Variant Classification Sherloc (09022015). Collection method: clinical testing. Allele origin: germline.

Ambry Genetics
Classification: Uncertain significance for Familial thoracic aortic aneurysm and aortic dissection. Last evaluated: 2025-09-05. Review status: criteria provided, single submitter. Criteria: Ambry Variant Classification Scheme 2023. Collection method: clinical testing. Allele origin: germline.
Comment: The p.R902C variant (also known as c.2704C>T), located in coding exon 17 of the NOTCH1 gene, results from a C to T substitution at nucleotide position 2704. The arginine at codon 902 is replaced by cysteine, an amino acid with highly dissimilar properties. This variant was reported in individual(s) with features consistent with NOTCH1-related cardiovascular disorders (Meester JAN et al. Hum Mutat, 2018 Sep;39:1246-1261). This amino acid position is not well conserved in available vertebrate species. In addition, the in silico prediction for this alteration is inconclusive. Based on the available evidence, the clinical significance of this variant remains unclear.

Centre of Medical Genetics, University of Antwerp
Classification: Pathogenic for Adams-Oliver syndrome 5. Last evaluated: 2017-12-01. Review status: criteria provided, single submitter. Criteria: Criteria for classifying variants, Center of Medical Genetics Antwerp, 2018. Collection method: research. Allele origin: inherited. Affected: yes.

Literature cited by the submitters: PubMed 29924900 (cited by Ambry Genetics and Centre of Medical Genetics, University of Antwerp).